The following is an entry in ClinVar:

ClinVar aggregate classification (germline): Uncertain significance (1 of 4 stars; one submission).

Conditions:
Primary dilated cardiomyopathy (DCM). Also called: Dilated Cardiomyopathy. Identifiers: Orphanet 217604, MedGen C0007193, MeSH D002311, MONDO:0005021, HP:0001644. Inheritance: Various modes of inheritance.

Allele frequency attached by ClinVar (database versions not stated): ExAC 0.00002; gnomAD exomes 0.00001; TOPMed 0.00001; gnomAD 0.00001.
gnomAD v4.1: 20 of 1,613,886 alleles (0.0012%); highest among the groups gnomAD compares: Non-Finnish European, 0.0015%; no homozygotes.

Submission:

Labcorp Genetics (formerly Invitae), Labcorp
Classification: Uncertain significance for Primary dilated cardiomyopathy. Last evaluated: 2023-07-17. Review status: criteria provided, single submitter. Criteria: Invitae Variant Classification Sherloc (09022015). Collection method: clinical testing. Allele origin: germline.
Comment: In summary, the available evidence is currently insufficient to determine the role of this variant in disease. Therefore, it has been classified as a Variant of Uncertain Significance. Advanced modeling of protein sequence and biophysical properties (such as structural, functional, and spatial information, amino acid conservation, physicochemical variation, residue mobility, and thermodynamic stability) performed at Invitae indicates that this missense variant is expected to disrupt FHL2 protein function. ClinVar contains an entry for this variant (Variation ID: 222640). This variant has not been reported in the literature in individuals affected with FHL2-related conditions. This variant is present in population databases (rs773266937, gnomAD 0.002%). This sequence change replaces cysteine, which is neutral and slightly polar, with tyrosine, which is neutral and polar, at codon 272 of the FHL2 protein (p.Cys272Tyr).

NM_001318895.3(FHL2):c.815G>A (p.Cys272Tyr)

Genes: C2orf49 (chromosome 2 open reading frame 49; plus strand), FHL2 (four and a half LIM domains 2; minus strand). Cytogenetic location: 2q12.2.
Variant type: single nucleotide variant.
Coding change: c.815G>A on transcript NM_001318895.3 (MANE Select); coding-DNA position 815, G replaced by A.
Protein change: p.Cys272Tyr; replaces cysteine 272 with tyrosine.
Molecular consequence: missense variant.
Genome position (GRCh38, 1-based): chr2:105,361,308, C>T on the plus strand (G>A on the coding strand, the complement: FHL2 is on the minus strand). VCF-style: chr2-105361308-C-T. GRCh37 (hg19) VCF-style: chr2-105977765-C-T.
Other names: c.815G>A, p.Cys272Tyr (NM_001039492.3, NM_001318894.1, NM_001318896.2 and 4 more transcripts); c.473G>A, p.Cys158Tyr (NM_001318897.2, NM_001318898.2); c.491G>A, p.Cys164Tyr (NM_001318899.2); short protein forms C272Y, C158Y, C164Y.
Identifiers: ClinVar variation 222640 (VCV000222640.4), dbSNP rs773266937, ClinGen allele CA068896.
Genomic context (GRCh38, chr2:105,361,308, plus strand): 5'-GTGAGATCACAAGCAGCAACTTCTCTGTGTTGAATTCAGATGTCTTTCCCACAGTCGGGG[C>T]ACAGGATGTCGTCCCTCTCTGTGAGGAAGCCACGCCCCACCAGTGAGAGGGAGCACTTCT-3'
Protein context (NP_001305824.1, residues 262-279): GFLTERDDIL[Cys272Tyr]PDCGKDI